The following is an entry in ClinVar:

ClinVar aggregate classification (germline): Uncertain significance (1 of 4 stars; one submission).

Conditions:
RYR1-related disorder. Also called: RYR1-related condition; RYR1-related disorders. Identifiers: MedGen CN239331.

Submission:

Labcorp Genetics (formerly Invitae), Labcorp
Classification: Uncertain significance for RYR1-related disorder. Last evaluated: 2024-10-16. Review status: criteria provided, single submitter. Criteria: Invitae Variant Classification Sherloc (09022015). Collection method: clinical testing. Allele origin: germline.
Comment: This sequence change replaces phenylalanine, which is neutral and non-polar, with leucine, which is neutral and non-polar, at codon 4917 of the RYR1 protein (p.Phe4917Leu). This variant is not present in population databases (gnomAD no frequency). This missense change has been observed in individual(s) with RYR1-related conditions (PMID: 23394784). Invitae Evidence Modeling of protein sequence and biophysical properties (such as structural, functional, and spatial information, amino acid conservation, physicochemical variation, residue mobility, and thermodynamic stability) indicates that this missense variant is expected to disrupt RYR1 protein function with a positive predictive value of 80%. In summary, the available evidence is currently insufficient to determine the role of this variant in disease. Therefore, it has been classified as a Variant of Uncertain Significance.

Literature cited by the submitters: PubMed 23394784.

NM_000540.3(RYR1):c.14751C>A (p.Phe4917Leu)

Gene: RYR1 (ryanodine receptor 1; plus strand). Cytogenetic location: 19q13.2.
Variant type: single nucleotide variant.
Coding change: c.14751C>A on transcript NM_000540.3 (MANE Select); coding-DNA position 14751, C replaced by A.
Protein change: p.Phe4917Leu; replaces phenylalanine 4917 with leucine.
Molecular consequence: missense variant.
Genome position (GRCh38, 1-based): chr19:38,585,047, C>A. VCF-style: chr19-38585047-C-A. GRCh37 (hg19) VCF-style: chr19-39075687-C-A.
Other names: c.14736C>A, p.Phe4912Leu (NM_001042723.2); short protein forms F4912L, F4917L.
Identifiers: ClinVar variation 2731365 (VCV002731365.3), dbSNP rs748270236, ClinGen allele CA405690794.